The following is an entry in ClinVar:

NM_000111.3(SLC26A3):c.1422G>A (p.Met474Ile)

Gene: SLC26A3 (solute carrier family 26 member 3; minus strand). Cytogenetic location: 7q22.3.
Variant type: single nucleotide variant.
Coding change: c.1422G>A on transcript NM_000111.3 (MANE Select); coding-DNA position 1422, G replaced by A.
Protein change: p.Met474Ile; replaces methionine 474 with isoleucine.
Molecular consequence: missense variant.
Genome position (GRCh38, 1-based): chr7:107,778,267, C>T on the plus strand (G>A on the coding strand, the complement: SLC26A3 is on the minus strand). VCF-style: chr7-107778267-C-T. GRCh37 (hg19) VCF-style: chr7-107418712-C-T.
Other names: short protein forms M474I.
Identifiers: ClinVar variation 1956875 (VCV001956875.2), dbSNP rs753994994, ClinGen allele CA4433822.
Genomic context (GRCh38, chr7:107,778,267, plus strand): 5'-AAATGCCACACTAGCTGCCAGGCCTAACCCGAGTCCCAGGACAATGGTGAAGATGAAGGT[C>T]ATGATCCAAATTAACTGTGAAAAGAAAGCAACACATACACTACAATTTACTTTGATTAAA-3'
Protein context (NP_000102.1, residues 464-484): KDKYDCLIWI[Met474Ile]TFIFTIVLGL

ClinVar aggregate classification (germline): Uncertain significance (1 of 4 stars; one submission).

Allele frequency attached by ClinVar (database versions not stated): ExAC 0.00002.
gnomAD v4.1: 3 of 1,608,572 alleles (0.00019%); highest among the groups gnomAD compares: Admixed American, 0.005%; no homozygotes.

Submission:

Labcorp Genetics (formerly Invitae), Labcorp
Classification: Uncertain significance. Last evaluated: 2022-08-19. Review status: criteria provided, single submitter. Criteria: Invitae Variant Classification Sherloc (09022015). Collection method: clinical testing. Allele origin: germline.
Comment: This sequence change replaces methionine, which is neutral and non-polar, with isoleucine, which is neutral and non-polar, at codon 474 of the SLC26A3 protein (p.Met474Ile). This variant is present in population databases (rs753994994, gnomAD 0.006%). This variant has not been reported in the literature in individuals affected with SLC26A3-related conditions. Advanced modeling of protein sequence and biophysical properties (such as structural, functional, and spatial information, amino acid conservation, physicochemical variation, residue mobility, and thermodynamic stability) performed at Invitae indicates that this missense variant is not expected to disrupt SLC26A3 protein function. In summary, the available evidence is currently insufficient to determine the role of this variant in disease. Therefore, it has been classified as a Variant of Uncertain Significance.